The following is an entry in ClinVar:

NM_004656.4(BAP1):c.122+6T>C

Gene: BAP1 (BRCA1 associated deubiquitinase 1; minus strand). Cytogenetic location: 3p21.1.
Variant type: single nucleotide variant.
Coding change: c.122+6T>C on transcript NM_004656.4 (MANE Select); 6 bases into the intron after coding-DNA position 122, T replaced by C.
Molecular consequence: intron variant.
Genome position (GRCh38, 1-based): chr3:52,409,548, A>G on the plus strand (T>C on the coding strand, the complement: BAP1 is on the minus strand). VCF-style: chr3-52409548-A-G. GRCh37 (hg19) VCF-style: chr3-52443564-A-G.
Identifiers: ClinVar variation 629226 (VCV000629226.5), dbSNP rs1559592783, ClinGen allele CA913188152.

ClinVar aggregate classification (germline): Uncertain significance. Review status: criteria provided, multiple submitters, no conflicts (2 of 4 stars). 2 submissions from 2 submitters: Uncertain significance (2). Last evaluated 2024-06-04.

Conditions:
Hereditary cancer-predisposing syndrome. Also called: Neoplastic Syndromes, Hereditary; Tumor predisposition; Hereditary neoplastic syndrome; Hereditary Cancer Syndrome. Identifiers: Orphanet 140162, MedGen C0027672, MeSH D009386, MONDO:0015356.
BAP1-related tumor predisposition syndrome (TPDS1). Also called: Tumor susceptibility linked to germline BAP1 mutations; BAP1 tumor predisposition syndrome; TUMOR PREDISPOSITION SYNDROME 1; COMMON Syndrome. Identifiers: Orphanet 289539, MedGen C3280492, MONDO:0013692, OMIM 614327.

Submissions (2):

Labcorp Genetics (formerly Invitae), Labcorp
Classification: Uncertain significance for BAP1-related tumor predisposition syndrome. Last evaluated: 2024-06-04. Review status: criteria provided, single submitter. Criteria: Invitae Variant Classification Sherloc (09022015). Collection method: clinical testing. Allele origin: germline.
Comment: This sequence change falls in intron 3 of the BAP1 gene. It does not directly change the encoded amino acid sequence of the BAP1 protein. It affects a nucleotide within the consensus splice site. This variant is not present in population databases (gnomAD no frequency). This variant has not been reported in the literature in individuals affected with BAP1-related conditions. ClinVar contains an entry for this variant (Variation ID: 629226). Variants that disrupt the consensus splice site are a relatively common cause of aberrant splicing (PMID: 17576681, 9536098). Algorithms developed to predict the effect of sequence changes on RNA splicing suggest that this variant is not likely to affect RNA splicing. In summary, the available evidence is currently insufficient to determine the role of this variant in disease. Therefore, it has been classified as a Variant of Uncertain Significance.

Color Diagnostics, LLC DBA Color Health
Classification: Uncertain significance for Hereditary cancer-predisposing syndrome. Last evaluated: 2019-03-25. Review status: criteria provided, single submitter. Criteria: ACMG Guidelines, 2015. Collection method: clinical testing. Allele origin: germline.

Literature cited by the submitters: PubMed 17576681 (cited by Labcorp Genetics (formerly Invitae), Labcorp); PubMed 9536098 (cited by Labcorp Genetics (formerly Invitae), Labcorp).